The following is an entry in ClinVar:

ClinVar aggregate classification (germline): Benign. Review status: criteria provided, multiple submitters, no conflicts (2 of 4 stars). 4 submissions from 4 submitters: Benign (2). 2 of the submissions do not count toward it. Last evaluated 2015-02-16.

Conditions:
ZNF407-related disorder. Also called: ZNF407-related condition.

Allele frequency attached by ClinVar (database versions not stated): 1000 Genomes Project 0.00819; 1000 Genomes Project 30x 0.00890; gnomAD exomes 0.01701 and 0.02186; ExAC 0.01706; gnomAD 0.01750 and 0.01776; TOPMed 0.01827; ESP Exome Variant Server 0.02041.
gnomAD v4.1: 34,567 of 1,613,998 alleles (2.1%); highest among the groups gnomAD compares: Non-Finnish European, 2.5%; 453 homozygotes.

Submissions (4):

Genomic Diagnostic Laboratory, Division of Genomic Diagnostics, Children's Hospital of Philadelphia
Classification: Benign. Last evaluated: 2015-02-16. Review status: criteria provided, single submitter. Criteria: DGD Variant Analysis Guidelines. Collection method: clinical testing. Allele origin: unknown.

Breakthrough Genomics
Classification: Benign. Review status: criteria provided, single submitter. Criteria: ACMG Guidelines, 2015. Collection method: not provided. Allele origin: germline. Inheritance: Autosomal recessive inheritance. Affected: yes.

PreventionGenetics, part of Exact Sciences
Classification: Benign for ZNF407-related condition. Last evaluated: 2019-04-10. Review status: no assertion criteria provided. Collection method: clinical testing. Allele origin: germline. Not counted in ClinVar's aggregate classification.
Comment: This variant is classified as benign based on ACMG/AMP sequence variant interpretation guidelines (Richards et al. 2015 PMID: 25741868, with internal and published modifications).

Genetic Services Laboratory, University of Chicago
Classification: Likely benign for AllHighlyPenetrant. Review status: no assertion criteria provided. Collection method: clinical testing. Allele origin: germline. Inheritance: Autosomal dominant inheritance. Not counted in ClinVar's aggregate classification.
Comment: Likely benign based on allele frequency in 1000 Genomes Project or ESP global frequency and its presence in a patient with a rare or unrelated disease phenotype. NOT Sanger confirmed.

NM_017757.3(ZNF407):c.181A>G (p.Ser61Gly)

Gene: ZNF407 (zinc finger protein 407; plus strand). Cytogenetic location: 18q22.3.
Variant type: single nucleotide variant.
Coding change: c.181A>G on transcript NM_017757.3 (MANE Select); coding-DNA position 181, A replaced by G.
Protein change: p.Ser61Gly; replaces serine 61 with glycine.
Molecular consequence: missense variant.
Genome position (GRCh38, 1-based): chr18:74,631,200, A>G. VCF-style: chr18-74631200-A-G. GRCh37 (hg19) VCF-style: chr18-72343156-A-G.
Other names: c.181A>G, p.Ser61Gly (NM_001146189.1, NM_001146190.1, NM_001384475.1); short protein forms S61G.
Identifiers: ClinVar variation 130817 (VCV000130817.9), dbSNP rs75994611, ClinGen allele CA248715.